The following is an entry in ClinVar:

ClinVar aggregate classification (germline): Uncertain significance (1 of 4 stars; one submission).

Conditions:
Very long chain acyl-CoA dehydrogenase deficiency (ACADVLD). Also called: Very Long-Chain Acyl-Coenzyme A Dehydrogenase Deficiency; VLCAD Deficiency. Identifiers: Orphanet 26793, MedGen C3887523, MONDO:0008723, OMIM 201475.

Allele frequency attached by ClinVar (database versions not stated): TOPMed below 0.00001; gnomAD 0.00001 and 0.00002; ExAC 0.00002.
gnomAD v4.1: 3 of 1,611,892 alleles (0.00019%); highest among the groups gnomAD compares: Non-Finnish European, 0.00025%; 1 homozygote.

Submission:

Labcorp Genetics (formerly Invitae), Labcorp
Classification: Uncertain significance for Very long chain acyl-CoA dehydrogenase deficiency. Last evaluated: 2022-07-19. Review status: criteria provided, single submitter. Criteria: Invitae Variant Classification Sherloc (09022015). Collection method: clinical testing. Allele origin: germline.
Comment: This sequence change replaces glycine, which is neutral and non-polar, with glutamic acid, which is acidic and polar, at codon 557 of the ACADVL protein (p.Gly557Glu). This variant is not present in population databases (gnomAD no frequency). This variant has not been reported in the literature in individuals affected with ACADVL-related conditions. ClinVar contains an entry for this variant (Variation ID: 1394817). Algorithms developed to predict the effect of missense changes on protein structure and function output the following: SIFT: "Tolerated"; PolyPhen-2: "Benign"; Align-GVGD: "Class C0". The glutamic acid amino acid residue is found in multiple mammalian species, which suggests that this missense change does not adversely affect protein function. In summary, the available evidence is currently insufficient to determine the role of this variant in disease. Therefore, it has been classified as a Variant of Uncertain Significance.

NM_000018.4(ACADVL):c.1670G>A (p.Gly557Glu)

Gene: ACADVL (acyl-CoA dehydrogenase very long chain; plus strand). Cytogenetic location: 17p13.1.
Variant type: single nucleotide variant.
Coding change: c.1670G>A on transcript NM_000018.4 (MANE Select); coding-DNA position 1670, G replaced by A.
Protein change: p.Gly557Glu; replaces glycine 557 with glutamic acid.
Molecular consequence: missense variant.
Genome position (GRCh38, 1-based): chr17:7,224,544, G>A. VCF-style: chr17-7224544-G-A. GRCh37 (hg19) VCF-style: chr17-7127863-G-A.
Other names: c.1604G>A, p.Gly535Glu (NM_001033859.3); c.1739G>A, p.Gly580Glu (NM_001270447.2); c.1442G>A, p.Gly481Glu (NM_001270448.2); short protein forms G481E, G580E, G535E, G557E.
Identifiers: ClinVar variation 1394817 (VCV001394817.3), dbSNP rs773842959, ClinGen allele CA8338201.
Genomic context (GRCh38, chr17:7,224,544, plus strand): 5'-TACGGGCTCTGGAGCAGTTTGCCACTGTGGTGGAGGCCAAGCTGATAAAACACAAGAAGG[G>A]GATTGTCAGTAAGTGAGCTCTACACCATTCCGCCCCTCCCTTTCCTCTCCTTGAGACTAA-3'
Protein context (NP_000009.1, residues 547-567): VEAKLIKHKK[Gly557Glu]IVNEQFLLQR